The following is an entry in ClinVar:

NM_198576.4(AGRN):c.77G>A (p.Gly26Glu)

Gene: AGRN (agrin; plus strand). Cytogenetic location: 1p36.33.
Variant type: single nucleotide variant.
Coding change: c.77G>A on transcript NM_198576.4 (MANE Select); coding-DNA position 77, G replaced by A.
Protein change: p.Gly26Glu; replaces glycine 26 with glutamic acid.
Molecular consequence: missense variant.
Genome position (GRCh38, 1-based): chr1:1,020,249, G>A. VCF-style: chr1-1020249-G-A. GRCh37 (hg19) VCF-style: chr1-955629-G-A.
Other names: c.77G>A, p.Gly26Glu (NM_001305275.2); short protein forms G26E.
Identifiers: ClinVar variation 2112395 (VCV002112395.4), dbSNP rs2523159953, ClinGen allele CA337809913.

ClinVar aggregate classification (germline): Uncertain significance (1 of 4 stars; one submission).

Conditions:
Congenital myasthenic syndrome 8. Also called: Myasthenic syndrome, congenital, 8, with pre- and postsynaptic defects; MYASTHENIC SYNDROME, CONGENITAL, DUE TO AGRIN DEFICIENCY. Identifiers: Orphanet 590, MedGen C3808739, MONDO:0014052, OMIM 615120.

Submission:

Labcorp Genetics (formerly Invitae), Labcorp
Classification: Uncertain significance for Congenital myasthenic syndrome 8. Last evaluated: 2022-03-19. Review status: criteria provided, single submitter. Criteria: Invitae Variant Classification Sherloc (09022015). Collection method: clinical testing. Allele origin: germline.
Comment: This variant has not been reported in the literature in individuals affected with AGRN-related conditions. This variant is not present in population databases (gnomAD no frequency). This sequence change replaces glycine, which is neutral and non-polar, with glutamic acid, which is acidic and polar, at codon 26 of the AGRN protein (p.Gly26Glu). Algorithms developed to predict the effect of missense changes on protein structure and function are either unavailable or do not agree on the potential impact of this missense change (SIFT: "Tolerated"; PolyPhen-2: "Not Available"; Align-GVGD: "Class C0"). In summary, the available evidence is currently insufficient to determine the role of this variant in disease. Therefore, it has been classified as a Variant of Uncertain Significance.